The following is an entry in ClinVar:

ClinVar aggregate classification (germline): Likely benign. Review status: criteria provided, multiple submitters, no conflicts (2 of 4 stars). 2 submissions from 2 submitters: Likely benign (2). Last evaluated 2026-06-01.

Allele frequency attached by ClinVar (database versions not stated): ExAC 0.00437; 1000 Genomes Project 0.00499; gnomAD 0.00511 and 0.00522; ESP Exome Variant Server 0.00531; 1000 Genomes Project 30x 0.00562; TOPMed 0.00629.
gnomAD v4.1: 8,754 of 1,611,724 alleles (0.54%); highest among the groups gnomAD compares: Admixed American, 0.86%; 33 homozygotes.

Submissions (2):

CeGaT Center for Human Genetics Tuebingen
Classification: Likely benign. Last evaluated: 2026-06-01. Review status: criteria provided, single submitter. Criteria: CeGaT Center For Human Genetics Tuebingen Variant Classification Criteria Version 2. Collection method: clinical testing. Allele origin: germline. Affected: yes. Observed: 14 variant alleles.
Comment: ABCA2: BP4, BP7, BS2

Breakthrough Genomics
Classification: Likely benign. Review status: criteria provided, single submitter. Criteria: ACMG Guidelines, 2015. Collection method: not provided. Allele origin: germline. Inheritance: Autosomal recessive inheritance. Affected: yes.

NM_001606.5(ABCA2):c.1320G>A (p.Thr440=)

Gene: ABCA2 (ATP binding cassette subfamily A member 2; minus strand). Cytogenetic location: 9q34.3.
Variant type: single nucleotide variant.
Coding change: c.1320G>A on transcript NM_001606.5 (MANE Select); coding-DNA position 1320, G replaced by A.
Protein change: p.Thr440=; no amino-acid change (threonine 440 retained).
Molecular consequence: synonymous variant.
Genome position (GRCh38, 1-based): chr9:137,020,441, C>T on the plus strand (G>A on the coding strand, the complement: ABCA2 is on the minus strand). VCF-style: chr9-137020441-C-T. GRCh37 (hg19) VCF-style: chr9-139914893-C-T.
Other names: c.1410G>A, p.Thr470= (NM_212533.3).
Identifiers: ClinVar variation 1299165 (VCV001299165.36), dbSNP rs56164699, ClinGen allele CA5355514.
Genomic context (GRCh38, chr9:137,020,441, plus strand): 5'-GATTTTGGGGTTGCTGGTCATGAGGTGCACGAGGAGGCCCAGGTTCCGCTGCTCCTTGCT[C>T]GTGAAGCCCAGGGAGCTCATGTTGCCCCGCCGCAGCGCCTCGGGTTCAATGGTGCTGGGG-3'
Protein context (NP_001597.2, residues 430-450): RRGNMSSLGF[Thr440=]SKEQRNLGLL